The following is an entry in ClinVar:

NM_014444.5(TUBGCP4):c.479A>C (p.His160Pro)

Gene: TUBGCP4 (tubulin gamma complex component 4; plus strand). Cytogenetic location: 15q15.3.
Variant type: single nucleotide variant.
Coding change: c.479A>C on transcript NM_014444.5 (MANE Select); coding-DNA position 479, A replaced by C.
Protein change: p.His160Pro; replaces histidine 160 with proline.
Molecular consequence: missense variant.
Genome position (GRCh38, 1-based): chr15:43,380,121, A>C. VCF-style: chr15-43380121-A-C. GRCh37 (hg19) VCF-style: chr15-43672319-A-C.
Other names: c.479A>C, p.His160Pro (NM_001286414.3); short protein forms H160P.
Identifiers: ClinVar variation 1929782 (VCV001929782.5), dbSNP rs878940758, ClinGen allele CA269987807.
Genomic context (GRCh38, chr15:43,380,121, plus strand): 5'-TGACAAGGCCGTATTTTCCACAGATTCATGGTTGTCAAATCCTGGAAACAGTCTACAAAC[A>C]CAGCTGTGGGGGGTTGCCTCCTGTTCGAAGTGCACTGGAAAAGTAAGTCATGGCTTAACT-3'
Protein context (NP_055259.2, residues 150-170): GCQILETVYK[His160Pro]SCGGLPPVRS

ClinVar aggregate classification (germline): Uncertain significance (1 of 4 stars; one submission).

Submission:

Labcorp Genetics (formerly Invitae), Labcorp
Classification: Uncertain significance. Last evaluated: 2021-12-29. Review status: criteria provided, single submitter. Criteria: Invitae Variant Classification Sherloc (09022015). Collection method: clinical testing. Allele origin: germline.
Comment: In summary, the available evidence is currently insufficient to determine the role of this variant in disease. Therefore, it has been classified as a Variant of Uncertain Significance. Algorithms developed to predict the effect of missense changes on protein structure and function (SIFT, PolyPhen-2, Align-GVGD) all suggest that this variant is likely to be tolerated. This variant has not been reported in the literature in individuals affected with TUBGCP4-related conditions. This variant is not present in population databases (gnomAD no frequency). This sequence change replaces histidine, which is basic and polar, with proline, which is neutral and non-polar, at codon 160 of the TUBGCP4 protein (p.His160Pro).